The following is an entry in ClinVar:

NM_001145026.2(PTPRQ):c.6883G>A (p.Glu2295Lys)

Gene: PTPRQ (protein tyrosine phosphatase receptor type Q; plus strand). Cytogenetic location: 12q21.31.
Variant type: single nucleotide variant.
Coding change: c.6883G>A on transcript NM_001145026.2 (MANE Select); coding-DNA position 6883, G replaced by A.
Protein change: p.Glu2295Lys; replaces glutamic acid 2295 with lysine.
Molecular consequence: missense variant.
Genome position (GRCh38, 1-based): chr12:80,679,006, G>A. VCF-style: chr12-80679006-G-A. GRCh37 (hg19) VCF-style: chr12-81072785-G-A.
Other names: short protein forms E2295K.
Identifiers: ClinVar variation 1065104 (VCV001065104.3), dbSNP rs2121305975, ClinGen allele CA385937455.

ClinVar aggregate classification (germline): Uncertain significance (1 of 4 stars; one submission).

Conditions:
Hearing impairment. Also called: Impaired Hearing. Identifiers: MedGen C1384666, MONDO:0005365, HP:0000365.

Submission:

Department of Otolaryngology – Head & Neck Surgery, Cochlear Implant Center
Classification: Uncertain significance for Hearing impairment. Last evaluated: 2021-04-12. Review status: criteria provided, single submitter. Criteria: ClinGen HL ACMG Specifications v1. Collection method: clinical testing. Allele origin: germline. Affected: yes.
Comment: PM2_Moderate, PP3_Supporting